The following is an entry in ClinVar:

NM_000312.4(PROC):c.1163C>A (p.Ala388Glu)

Gene: PROC (protein C, inactivator of coagulation factors Va and VIIIa; plus strand). Cytogenetic location: 2q14.3.
Variant type: single nucleotide variant.
Coding change: c.1163C>A on transcript NM_000312.4 (MANE Select); coding-DNA position 1163, C replaced by A.
Protein change: p.Ala388Glu; replaces alanine 388 with glutamic acid.
Molecular consequence: missense variant.
Genome position (GRCh38, 1-based): chr2:127,428,723, C>A. VCF-style: chr2-127428723-C-A. GRCh37 (hg19) VCF-style: chr2-128186299-C-A.
Other names: c.1346C>A, p.Ala449Glu (NM_001375602.1); c.1328C>A, p.Ala443Glu (NM_001375603.1); c.1226C>A, p.Ala409Glu (NM_001375604.1); c.1265C>A, p.Ala422Glu (NM_001375605.1); c.1331C>A, p.Ala444Glu (NM_001375606.1); c.1349C>A, p.Ala450Glu (NM_001375607.1); c.1106C>A, p.Ala369Glu (NM_001375608.1); c.1139C>A, p.Ala380Glu (NM_001375609.1); and 2 more; short protein forms A444E, A450E, A388E, A386E, A409E, A422E, A443E, A369E.
Identifiers: ClinVar variation 4747030 (VCV004747030.1).

ClinVar aggregate classification (germline): Uncertain significance (1 of 4 stars; one submission).

Conditions:
Thrombophilia due to protein C deficiency, autosomal dominant. Also called: PROC DEFICIENCY, AUTOSOMAL DOMINANT; PROTEIN C DEFICIENCY, AUTOSOMAL DOMINANT. Identifiers: Orphanet 745, MedGen C2674321, MONDO:0008316, OMIM 176860. Disease mechanism: loss of function.

Submission:

Labcorp Genetics (formerly Invitae), Labcorp
Classification: Uncertain significance for Thrombophilia due to protein C deficiency, autosomal dominant. Last evaluated: 2025-04-22. Review status: criteria provided, single submitter. Criteria: Invitae Variant Classification Sherloc (09022015). Collection method: clinical testing. Allele origin: germline.
Comment: This sequence change replaces alanine, which is neutral and non-polar, with glutamic acid, which is acidic and polar, at codon 388 of the PROC protein (p.Ala388Glu). This variant is not present in population databases (gnomAD no frequency). This missense change has been observed in individual(s) with protein C deficiency (PMID: 10669160). This variant is also known as A346E. Invitae Evidence Modeling of protein sequence and biophysical properties (such as structural, functional, and spatial information, amino acid conservation, physicochemical variation, residue mobility, and thermodynamic stability) indicates that this missense variant is expected to disrupt PROC protein function with a positive predictive value of 80%. In summary, the available evidence is currently insufficient to determine the role of this variant in disease. Therefore, it has been classified as a Variant of Uncertain Significance.

Literature cited by the submitters: PubMed 10669160.